The following is an entry in ClinVar:

NM_001368882.1(COL13A1):c.710G>A (p.Arg237Gln)

Gene: COL13A1 (collagen type XIII alpha 1 chain; plus strand). Cytogenetic location: 10q22.1.
Variant type: single nucleotide variant.
Coding change: c.710G>A on transcript NM_001368882.1 (MANE Select); coding-DNA position 710, G replaced by A.
Protein change: p.Arg237Gln; replaces arginine 237 with glutamine.
Molecular consequence: missense variant. On other transcripts: intron variant (3).
Genome position (GRCh38, 1-based): chr10:69,898,722, G>A. VCF-style: chr10-69898722-G-A. GRCh37 (hg19) VCF-style: chr10-71658478-G-A.
Other names: p.Arg247Gln; c.740G>A, p.Arg247Gln (NM_001130103.2); c.710G>A, p.Arg237Gln (NM_001320951.2, NM_001368884.1); c.674G>A, p.Arg225Gln (NM_001368883.1, NM_001368885.1); c.110G>A, p.Arg37Gln (NM_001368886.1); c.620G>A, p.Arg207Gln (NM_001368895.1); c.569G>A, p.Arg190Gln (NM_001368896.1, NM_001368898.1, NM_080798.4); c.596G>A, p.Arg199Gln (NM_001368897.1); and 4 more; short protein forms R199Q, R207Q, R225Q, R237Q, R247Q, R190Q, R228Q, R37Q.
Identifiers: ClinVar variation 1509144 (VCV001509144.10), dbSNP rs200447906, ClinGen allele CA5534412.
Genomic context (GRCh38, chr10:69,898,722, plus strand): 5'-TGCCCTCTGGCCCTCCAACTCATCTTTCTCCTCAGCTGCTGCCTCTCCTCAATTCAGTGC[G>A]ACTGGCTCCACCCCCGGTCATAAAAAGGCGGACGTTCCAGGTAGACACCTCCCGTTTGTC-3'
Protein context (NP_001355811.1, residues 227-247): HRLLPLLNSV[Arg237Gln]LAPPPVIKRR

ClinVar aggregate classification (germline): Conflicting classifications of pathogenicity. Review status: criteria provided, conflicting classifications (1 of 4 stars). 6 submissions from 6 submitters: Uncertain significance (4); Likely benign (2). Last evaluated 2025-09-09.

Conditions:
COL13A1-related disorder. Also called: COL13A1-related condition.
Inborn genetic diseases. Identifiers: MedGen C0950123, MeSH D030342.
Congenital myasthenic syndrome 19. Identifiers: Orphanet 590, MedGen C4225235, MONDO:0014745, OMIM 616720.

Allele frequency attached by ClinVar (database versions not stated): 1000 Genomes Project 30x 0.00031; 1000 Genomes Project 0.00040; ExAC 0.00080; ESP Exome Variant Server 0.00080; gnomAD exomes 0.00091 and 0.00152; gnomAD 0.00092 and 0.00093; TOPMed 0.00100.
gnomAD v4.1: 2,316 of 1,613,350 alleles (0.14%); highest among the groups gnomAD compares: Non-Finnish European, 0.18%; 5 homozygotes.

Submissions (6):

Mayo Clinic Laboratories, Mayo Clinic
Classification: Likely benign. Last evaluated: 2025-09-09. Review status: criteria provided, single submitter. Criteria: ACMG Guidelines, 2015. Collection method: clinical testing. Allele origin: germline. Observed: 3 variant alleles.
Comment: BS1, BS2

PreventionGenetics, part of Exact Sciences
Classification: Likely benign for COL13A1-related condition. Last evaluated: 2025-05-28. Review status: criteria provided, single submitter. Criteria: ACMG Guidelines, 2015. Collection method: clinical testing. Allele origin: germline.
Comment: This variant is classified as likely benign based on ACMG/AMP sequence variant interpretation guidelines (Richards et al. 2015 PMID: 25741868, with internal and published modifications).

Revvity Omics, Revvity
Classification: Uncertain significance for Congenital myasthenic syndrome 19. Last evaluated: 2025-04-02. Review status: criteria provided, single submitter. Criteria: ACMG Guidelines, 2015. Collection method: clinical testing. Allele origin: germline.

Ambry Genetics
Classification: Uncertain significance for Inborn genetic diseases. Last evaluated: 2024-08-01. Review status: criteria provided, single submitter. Criteria: Ambry Variant Classification Scheme 2023. Collection method: clinical testing. Allele origin: germline.

Labcorp Genetics (formerly Invitae), Labcorp
Classification: Uncertain significance. Last evaluated: 2022-11-01. Review status: criteria provided, single submitter. Criteria: Invitae Variant Classification Sherloc (09022015). Collection method: clinical testing. Allele origin: germline.
Comment: This sequence change replaces arginine, which is basic and polar, with glutamine, which is neutral and polar, at codon 247 of the COL13A1 protein (p.Arg247Gln). This variant is present in population databases (rs200447906, gnomAD 0.1%), and has an allele count higher than expected for a pathogenic variant. This variant has not been reported in the literature in individuals affected with COL13A1-related conditions. ClinVar contains an entry for this variant (Variation ID: 1509144). Algorithms developed to predict the effect of missense changes on protein structure and function are either unavailable or do not agree on the potential impact of this missense change (SIFT: "Deleterious"; PolyPhen-2: "Benign"; Align-GVGD: "Class C35"). In summary, the available evidence is currently insufficient to determine the role of this variant in disease. Therefore, it has been classified as a Variant of Uncertain Significance.

Breakthrough Genomics
Classification: Uncertain significance. Review status: criteria provided, single submitter. Criteria: ACMG Guidelines, 2015. Collection method: not provided. Allele origin: germline. Inheritance: Autosomal recessive inheritance. Affected: yes.